The following is an entry in ClinVar:

NM_001378778.1(MPDZ):c.3610C>T (p.Pro1204Ser)

Gene: MPDZ (multiple PDZ domain crumbs cell polarity complex component; minus strand). Cytogenetic location: 9p23.
Variant type: single nucleotide variant.
Coding change: c.3610C>T on transcript NM_001378778.1 (MANE Select); coding-DNA position 3610, C replaced by T.
Protein change: p.Pro1204Ser; replaces proline 1204 with serine.
Molecular consequence: missense variant.
Genome position (GRCh38, 1-based): chr9:13,150,531, G>A on the plus strand (C>T on the coding strand, the complement: MPDZ is on the minus strand). VCF-style: chr9-13150531-G-A. GRCh37 (hg19) VCF-style: chr9-13150530-G-A.
Other names: c.3610C>T, p.Pro1204Ser (NM_001261406.2, NM_001261407.2, NM_001330637.2 and 13 more transcripts); c.3412C>T, p.Pro1138Ser (NM_001375427.1); short protein forms P1204S, P1138S.
Identifiers: ClinVar variation 2019414 (VCV002019414.4), dbSNP rs746294276, ClinGen allele CA4987067.

ClinVar aggregate classification (germline): Uncertain significance (1 of 4 stars; one submission).

Allele frequency attached by ClinVar (database versions not stated): ExAC 0.00001; TOPMed 0.00001.
gnomAD v4.1: 3 of 1,569,394 alleles (0.00019%); highest among the groups gnomAD compares: Admixed American, 0.0017%; no homozygotes.

Submission:

Labcorp Genetics (formerly Invitae), Labcorp
Classification: Uncertain significance. Last evaluated: 2022-06-17. Review status: criteria provided, single submitter. Criteria: Invitae Variant Classification Sherloc (09022015). Collection method: clinical testing. Allele origin: germline.
Comment: In summary, the available evidence is currently insufficient to determine the role of this variant in disease. Therefore, it has been classified as a Variant of Uncertain Significance. Algorithms developed to predict the effect of missense changes on protein structure and function output the following: SIFT: "Tolerated"; PolyPhen-2: "Benign"; Align-GVGD: "Class C15". The serine amino acid residue is found in multiple mammalian species, which suggests that this missense change does not adversely affect protein function. This variant has not been reported in the literature in individuals affected with MPDZ-related conditions. This variant is present in population databases (rs746294276, gnomAD 0.003%). This sequence change replaces proline, which is neutral and non-polar, with serine, which is neutral and polar, at codon 1204 of the MPDZ protein (p.Pro1204Ser).